The following is an entry in ClinVar:

NM_000051.4(ATM):c.7221A>G (p.Ser2407=)

Genes: ATM (ATM serine/threonine kinase; plus strand), C11orf65 (chromosome 11 open reading frame 65; minus strand). Cytogenetic location: 11q22.3.
Variant type: single nucleotide variant.
Coding change: c.7221A>G on transcript NM_000051.4 (MANE Select); coding-DNA position 7221, A replaced by G.
Protein change: p.Ser2407=; no amino-acid change (serine 2407 retained).
Molecular consequence: synonymous variant. On other transcripts: intron variant (2).
Genome position (GRCh38, 1-based): chr11:108,329,152, A>G. VCF-style: chr11-108329152-A-G. GRCh37 (hg19) VCF-style: chr11-108199879-A-G.
Other names: c.7221A>G, p.Ser2407= (NM_001351834.2); c.641-20081T>C (NM_001330368.2); c.*38+6068T>C (NM_001351110.2).
Identifiers: ClinVar variation 185034 (VCV000185034.19), dbSNP rs786201881, ClinGen allele CA190827.

ClinVar aggregate classification (germline): Benign/Likely benign. Review status: criteria provided, multiple submitters, no conflicts (2 of 4 stars). 5 submissions from 5 submitters: Benign (1); Likely benign (4). Last evaluated 2025-12-18.

Conditions:
Hereditary cancer-predisposing syndrome. Also called: Hereditary Cancer Syndrome; Tumor predisposition; Neoplastic Syndromes, Hereditary; Hereditary neoplastic syndrome. Identifiers: Orphanet 140162, MedGen C0027672, MeSH D009386, MONDO:0015356.
Familial cancer of breast. Also called: hereditary breast carcinoma; BREAST CANCER, FAMILIAL; Hereditary breast cancer. Identifiers: Orphanet 227535, MedGen C0346153, MONDO:0016419, OMIM 114480. Disease mechanism: loss of function.
Ataxia-telangiectasia syndrome (AT). Also called: ATAXIA-TELANGIECTASIA, COMPLEMENTATION GROUP A; ATAXIA-TELANGIECTASIA, FRESNO VARIANT; Ataxia-telangiectasia; Ataxia-telangiectasia, complementation group E; Cerebello-oculocutaneous telangiectasia; Immunodeficiency with ataxia telangiectasia. Identifiers: Orphanet 100, MedGen C0004135, MONDO:0008840, OMIM 208900.

Allele frequency attached by ClinVar (database versions not stated): TOPMed below 0.00001; gnomAD exomes 0.00001; gnomAD 0.00001.
gnomAD v4.1: 5 of 1,613,990 alleles (0.00031%); highest among the groups gnomAD compares: South Asian, 0.0022%; no homozygotes.

Submissions (5):

Labcorp Genetics (formerly Invitae), Labcorp
Classification: Likely benign for Ataxia-telangiectasia syndrome. Last evaluated: 2025-12-18. Review status: criteria provided, single submitter. Criteria: Invitae Variant Classification Sherloc (09022015). Collection method: clinical testing. Allele origin: germline.

Myriad Genetics, Inc.
Classification: Benign for Familial cancer of breast. Last evaluated: 2024-06-13. Review status: criteria provided, single submitter. Criteria: Myriad Autosomal Dominant, Autosomal Recessive and X-Linked Classification Criteria (2023). Collection method: clinical testing. Allele origin: unknown.
Comment: This variant is considered benign. This variant is a silent/synonymous amino acid change and it is not expected to impact splicing.

Color Diagnostics, LLC DBA Color Health
Classification: Likely benign for Hereditary cancer-predisposing syndrome. Last evaluated: 2019-01-02. Review status: criteria provided, single submitter. Criteria: ACMG Guidelines, 2015. Collection method: clinical testing. Allele origin: germline.

GeneDx
Classification: Likely benign. Last evaluated: 2018-01-08. Review status: criteria provided, single submitter. Criteria: GeneDx Variant Classification (06012015). Collection method: clinical testing. Allele origin: germline. Affected: yes.
Comment: This variant is considered likely benign or benign based on one or more of the following criteria: it is a conservative change, it occurs at a poorly conserved position in the protein, it is predicted to be benign by multiple in silico algorithms, and/or has population frequency not consistent with disease.

Ambry Genetics
Classification: Likely benign for Hereditary cancer-predisposing syndrome. Last evaluated: 2016-10-03. Review status: criteria provided, single submitter. Criteria: Ambry Variant Classification Scheme 2023. Collection method: clinical testing. Allele origin: germline.